The following is an entry in ClinVar:

ClinVar aggregate classification (germline): Benign/Likely benign. Review status: criteria provided, multiple submitters, no conflicts (2 of 4 stars). 4 submissions from 4 submitters: Benign (1); Likely benign (3). Last evaluated 2025-12-16.

Conditions:
Cardiovascular phenotype. Identifiers: MedGen CN230736.
Dilated cardiomyopathy 1JJ (CMD1JJ). Identifiers: Orphanet 154, MedGen C3808935, MONDO:0014095, OMIM 615235.

Allele frequency attached by ClinVar (database versions not stated): gnomAD exomes 0.00001; ExAC 0.00002; TOPMed 0.00004; gnomAD 0.00006; 1000 Genomes Project 30x 0.00016; 1000 Genomes Project 0.00020.
gnomAD v4.1: 42 of 1,613,924 alleles (0.0026%); highest among the groups gnomAD compares: African/African-American, 0.004%; no homozygotes.

Submissions (4):

Labcorp Genetics (formerly Invitae), Labcorp
Classification: Likely benign for Dilated cardiomyopathy 1JJ. Last evaluated: 2025-12-16. Review status: criteria provided, single submitter. Criteria: Invitae Variant Classification Sherloc (09022015). Collection method: clinical testing. Allele origin: germline.

Ambry Genetics
Classification: Likely benign for Cardiovascular phenotype. Last evaluated: 2018-12-31. Review status: criteria provided, single submitter. Criteria: Ambry Variant Classification Scheme 2023. Collection method: clinical testing. Allele origin: germline.

GeneDx
Classification: Benign. Last evaluated: 2016-12-16. Review status: criteria provided, single submitter. Criteria: GeneDx Variant Classification (06012015). Collection method: clinical testing. Allele origin: germline. Affected: yes.
Comment: This variant is considered likely benign or benign based on one or more of the following criteria: it is a conservative change, it occurs at a poorly conserved position in the protein, it is predicted to be benign by multiple in silico algorithms, and/or has population frequency not consistent with disease.

Laboratory for Molecular Medicine, Mass General Brigham Personalized Medicine
Classification: Likely benign. Last evaluated: 2016-12-08. Review status: criteria provided, single submitter. Criteria: LMM Criteria. Collection method: clinical testing. Allele origin: germline. Observed: 1 variant allele.
Comment: p.Ser76Ser in exon 3 of LAMA4: This variant is not expected to have clinical sig nificance because it does not alter an amino acid residue and is not located wit hin the splice consensus sequence. It has been identified in 2/66678 European ch romosomes by the Exome Aggregation Consortium (ExAC. org; dbSNP rs200589775). Splicing computational tools predict the possible creat ion of a novel splice site; however, this information is not predictive enough t o suggest this variant effects the protein. In summary, this variant is likely b enign.

NM_001105206.3(LAMA4):c.228G>A (p.Ser76=)

Gene: LAMA4 (laminin subunit alpha 4; minus strand). Cytogenetic location: 6q21.
Variant type: single nucleotide variant.
Coding change: c.228G>A on transcript NM_001105206.3 (MANE Select); coding-DNA position 228, G replaced by A.
Protein change: p.Ser76=; no amino-acid change (serine 76 retained).
Molecular consequence: synonymous variant.
Genome position (GRCh38, 1-based): chr6:112,216,437, C>T on the plus strand (G>A on the coding strand, the complement: LAMA4 is on the minus strand). VCF-style: chr6-112216437-C-T. GRCh37 (hg19) VCF-style: chr6-112537638-C-T.
Other names: c.228G>A, p.Ser76= (NM_001105207.3, NM_002290.5).
Identifiers: ClinVar variation 504746 (VCV000504746.13), dbSNP rs200589775, ClinGen allele CA3966265.
Genomic context (GRCh38, chr6:112,216,437, plus strand): 5'-TCCTGAGCCGTCCAAACACTCGTTGGAATTGCCATTACAGTCGCAGGGCACACATTCTCC[C>T]GACAGGGTGTGAAAGAATCCAGCATTGCATTTCTGCAACAGACACACCAAACCATTTTGA-3'
Protein context (NP_001098676.2, residues 66-86): KCNAGFFHTL[Ser76=]GECVPCDCNG